The following is an entry in ClinVar:

ClinVar aggregate classification (germline): Likely benign (1 of 4 stars; one submission).

Conditions:
Alport syndrome. Also called: Hemorrhagic familial nephritis; Hemorrhagic hereditary nephritis; Congenital hereditary hematuria. Identifiers: Orphanet 63, MedGen C1567741, MONDO:0018965.

Allele frequency attached by ClinVar (database versions not stated): gnomAD exomes 0.00038; gnomAD 0.00612 and 0.00670; 1000 Genomes Project 0.00619; 1000 Genomes Project 30x 0.00703; TOPMed 0.00711.
gnomAD v4.1: 927 of 163,310 alleles (0.57%); highest among the groups gnomAD compares: African/African-American, 2.1%; 8 homozygotes.

Submission:

Illumina Laboratory Services, Illumina
Classification: Likely benign for Alport syndrome. Last evaluated: 2018-01-12. Review status: criteria provided, single submitter. Criteria: ICSL Variant Classification Criteria 13 December 2019. Collection method: clinical testing. Allele origin: germline.
Comment: This variant was observed in the ICSL laboratory as part of a predisposition screen in an ostensibly healthy population. It had not been previously curated by ICSL or reported in the Human Gene Mutation Database (HGMD: prior to June 1st, 2018), and was therefore a candidate for classification through an automated scoring system. Utilizing variant allele frequency, disease prevalence and penetrance estimates, and inheritance mode, an automated score was calculated to assess if this variant is too frequent to cause the disease. Based on the score and internal cut-off values, a variant classified as likely benign is not then subjected to further curation. The score for this variant resulted in a classification of likely benign for this disease.

NM_000092.5(COL4A4):c.*472A>T

Gene: COL4A4 (collagen type IV alpha 4 chain; minus strand). Cytogenetic location: 2q36.3.
Variant type: single nucleotide variant.
Coding change: c.*472A>T on transcript NM_000092.5 (MANE Select); 472 bases downstream of the stop codon, A replaced by T.
Molecular consequence: 3 prime UTR variant.
Genome position (GRCh38, 1-based): chr2:227,006,853, T>A on the plus strand (A>T on the coding strand, the complement: COL4A4 is on the minus strand). VCF-style: chr2-227006853-T-A. GRCh37 (hg19) VCF-style: chr2-227871569-T-A.
Identifiers: ClinVar variation 334693 (VCV000334693.5), dbSNP rs77268230, ClinGen allele CA10614416.